The following is an entry in ClinVar:

NM_001159699.2(FHL1):c.156T>A (p.Cys52Ter)

Gene: FHL1 (four and a half LIM domains 1; plus strand). Cytogenetic location: Xq26.3.
Variant type: single nucleotide variant.
Coding change: c.156T>A on transcript NM_001159699.2 (MANE Select); coding-DNA position 156, T replaced by A.
Protein change: p.Cys52Ter; replaces cysteine 52 with a stop codon.
Molecular consequence: nonsense. On other transcripts: non-coding transcript variant (1).
Genome position (GRCh38, 1-based): chrX:136,206,540, T>A. VCF-style: chrX-136206540-T-A. GRCh37 (hg19) VCF-style: chrX-135288699-T-A.
Other names: c.108T>A, p.Cys36Ter (NM_001159700.2, NM_001159702.3, NM_001159703.2 and 9 more transcripts); c.195T>A, p.Cys65Ter (NM_001159701.2); c.156T>A, p.Cys52Ter (NM_001330659.2); short protein forms C52*, C65*, C36*.
Identifiers: ClinVar variation 2116776 (VCV002116776.4), dbSNP rs368235882, ClinGen allele CA414607756.

ClinVar aggregate classification (germline): Pathogenic (1 of 4 stars; one submission).

Conditions:
X-linked myopathy with postural muscle atrophy. Also called: FHL1-Related Emery-Dreifuss Muscular Dystrophy, X-Linked. Identifiers: Orphanet 178461, MedGen C2678055, MONDO:0010401, OMIM 300696.

Submission:

Labcorp Genetics (formerly Invitae), Labcorp
Classification: Pathogenic for X-linked myopathy with postural muscle atrophy. Last evaluated: 2022-03-25. Review status: criteria provided, single submitter. Criteria: Invitae Variant Classification Sherloc (09022015). Collection method: clinical testing. Allele origin: germline.
Comment: For these reasons, this variant has been classified as Pathogenic. This variant has not been reported in the literature in individuals affected with FHL1-related conditions. This variant is not present in population databases (gnomAD no frequency). This sequence change creates a premature translational stop signal (p.Cys36*) in the FHL1 gene. It is expected to result in an absent or disrupted protein product. Loss-of-function variants in FHL1 are known to be pathogenic (PMID: 18179888, 19687455, 19716112, 22523091, 24114807).

Literature cited by the submitters: PubMed 18179888; PubMed 19687455; PubMed 19716112; PubMed 22523091; PubMed 24114807.